The following is an entry in ClinVar:

NM_015631.6(TCTN3):c.603T>A (p.Thr201=)

Gene: TCTN3 (tectonic family member 3; minus strand). Cytogenetic location: 10q24.1.
Variant type: single nucleotide variant.
Coding change: c.603T>A on transcript NM_015631.6 (MANE Select); coding-DNA position 603, T replaced by A.
Protein change: p.Thr201=; no amino-acid change (threonine 201 retained).
Molecular consequence: synonymous variant. On other transcripts: intron variant (1).
Genome position (GRCh38, 1-based): chr10:95,687,616, A>T on the plus strand (T>A on the coding strand, the complement: TCTN3 is on the minus strand). VCF-style: chr10-95687616-A-T. GRCh37 (hg19) VCF-style: chr10-97447373-A-T.
Other names: p.Thr201=; c.500-457T>A (NM_001143973.2).
Identifiers: ClinVar variation 130577 (VCV000130577.18), dbSNP rs10786229, ClinGen allele CA155697.
Genomic context (GRCh38, chr10:95,687,616, plus strand): 5'-TAAACCAAACAATCCCATCCCCTTCCCCAGGCTCACCCTGTAAAAAGATGGTGGTGATTG[A>T]GTTTGGAATGTTGAAGTGAATGATTCGCCTCCAAACTCTGCAGCCAGGGCCTGGAAGTTG-3'
Protein context (NP_056446.4, residues 191-211): GGESFTSTFQ[Thr201=]QSPPSFYRAG

ClinVar aggregate classification (germline): Benign. Review status: criteria provided, multiple submitters, no conflicts (2 of 4 stars). 7 submissions from 7 submitters: Benign (6). 1 of the submissions does not count toward it. Last evaluated 2026-02-04.

Conditions:
Orofacial-digital syndrome IV (OFD4). Also called: MOHR-MAJEWSKI SYNDROME; Orofaciodigital syndrome IV; OFD SYNDROME WITH TIBIAL DEFECTS; OFD SYNDROME, BARAITSER-BURN TYPE; OFDS IV; ORAL-FACIAL-DIGITAL SYNDROME, TYPE IV. Identifiers: Orphanet 2753, MedGen C0406727, MONDO:0009794, OMIM 258860.
Joubert syndrome 18 (JBTS18). Identifiers: Orphanet 2754, MedGen C3553758, MONDO:0013896, OMIM 614815.

Allele frequency attached by ClinVar (database versions not stated): gnomAD exomes 0.32977 and 0.34923; gnomAD 0.35079 and 0.35460; ESP Exome Variant Server 0.35176; ExAC 0.35440; TOPMed 0.35722; 1000 Genomes Project 30x 0.42349; 1000 Genomes Project 0.42472.
gnomAD v4.1: 537,389 of 1,613,760 alleles (33%); highest among the groups gnomAD compares: East Asian, 66%; 93,694 homozygotes.

Submissions (7):

Labcorp Genetics (formerly Invitae), Labcorp
Classification: Benign for Joubert syndrome 18; Orofacial-digital syndrome IV. Last evaluated: 2026-02-04. Review status: criteria provided, single submitter. Criteria: Invitae Variant Classification Sherloc (09022015). Collection method: clinical testing. Allele origin: germline.

Blueprint Genetics
Classification: Benign. Last evaluated: 2024-11-27. Review status: criteria provided, single submitter. Criteria: ACMG Guidelines, 2015. Collection method: clinical testing. Allele origin: germline.

Mayo Clinic Laboratories, Mayo Clinic
Classification: Benign. Last evaluated: 2022-03-09. Review status: criteria provided, single submitter. Criteria: ACMG Guidelines, 2015. Collection method: clinical testing. Allele origin: germline. Observed: 44 variant alleles.

GeneDx
Classification: Benign. Last evaluated: 2016-01-08. Review status: criteria provided, single submitter. Criteria: GeneDx Variant Classification (06012015). Collection method: clinical testing. Allele origin: germline. Affected: yes.
Comment: This variant is considered likely benign or benign based on one or more of the following criteria: it is a conservative change, it occurs at a poorly conserved position in the protein, it is predicted to be benign by multiple in silico algorithms, and/or has population frequency not consistent with disease.

Breakthrough Genomics
Classification: Benign. Review status: criteria provided, single submitter. Criteria: ACMG Guidelines, 2015. Collection method: not provided. Allele origin: germline. Inheritance: Autosomal recessive inheritance. Affected: yes.

PreventionGenetics, part of Exact Sciences
Classification: Benign. Review status: criteria provided, single submitter. Criteria: ACMG Guidelines, 2015. Collection method: clinical testing. Allele origin: germline.

Genetic Services Laboratory, University of Chicago
Classification: Likely benign for AllHighlyPenetrant. Review status: no assertion criteria provided. Collection method: clinical testing. Allele origin: germline. Inheritance: Autosomal recessive inheritance. Not counted in ClinVar's aggregate classification.
Comment: Likely benign based on allele frequency in 1000 Genomes Project or ESP global frequency and its presence in a patient with a rare or unrelated disease phenotype. NOT Sanger confirmed.